The following is an entry in ClinVar:

NM_015662.3(IFT172):c.1719C>T (p.Gly573=)

Gene: IFT172 (intraflagellar transport 172; minus strand). Cytogenetic location: 2p23.3.
Variant type: single nucleotide variant.
Coding change: c.1719C>T on transcript NM_015662.3 (MANE Select); coding-DNA position 1719, C replaced by T.
Protein change: p.Gly573=; no amino-acid change (glycine 573 retained).
Molecular consequence: synonymous variant.
Genome position (GRCh38, 1-based): chr2:27,465,856, G>A on the plus strand (C>T on the coding strand, the complement: IFT172 is on the minus strand). VCF-style: chr2-27465856-G-A. GRCh37 (hg19) VCF-style: chr2-27688723-G-A.
Other names: c.1719C>T (NM_015662.2).
Identifiers: ClinVar variation 1582455 (VCV001582455.10), dbSNP rs373009930, ClinGen allele CA1580544.
Genomic context (GRCh38, chr2:27,465,856, plus strand): 5'-ATCCAATGTGTAGGCAACAGTAGTCACACCTTCCATCACCATCACCTCGGTCTTTCCCCC[G>A]CCCCGCTCCAGACCTATAACATCACCCTGTAAAAGTTTATCCCCCAACCCACCCCAATTT-3'
Protein context (NP_056477.1, residues 563-583): IRGDVIGLER[Gly573=]GGKTEVMVME

ClinVar aggregate classification (germline): Likely benign. Review status: criteria provided, multiple submitters, no conflicts (2 of 4 stars). 3 submissions from 3 submitters: Likely benign (3). Last evaluated 2026-03-30.

Conditions:
Short-rib thoracic dysplasia 10 with or without polydactyly (SRTD10). Identifiers: Orphanet 474, MedGen C3810175, MONDO:0014284, OMIM 615630.
Retinitis pigmentosa 71 (RP71). Identifiers: Orphanet 791, MedGen C4225342, MONDO:0014618, OMIM 616394.
IFT172-related disorder. Also called: IFT172-related condition; IFT172-related disorders.

Allele frequency attached by ClinVar (database versions not stated): gnomAD 0.00001; ExAC 0.00002; gnomAD exomes 0.00002; TOPMed 0.00002; ESP Exome Variant Server 0.00008.
gnomAD v4.1: 24 of 1,613,468 alleles (0.0015%); highest among the groups gnomAD compares: Non-Finnish European, 0.0018%; no homozygotes.

Submissions (3):

PreventionGenetics, part of Exact Sciences
Classification: Likely benign for IFT172-related condition. Last evaluated: 2026-03-30. Review status: criteria provided, single submitter. Criteria: ACMG Guidelines, 2015. Collection method: clinical testing. Allele origin: germline.
Comment: This variant is classified as likely benign based on ACMG/AMP sequence variant interpretation guidelines (Richards et al. 2015 PMID: 25741868, with internal and published modifications).

Blueprint Genetics
Classification: Likely benign. Last evaluated: 2024-11-25. Review status: criteria provided, single submitter. Criteria: ACMG Guidelines, 2015. Collection method: clinical testing. Allele origin: germline.

Labcorp Genetics (formerly Invitae), Labcorp
Classification: Likely benign for Retinitis pigmentosa 71; Short-rib thoracic dysplasia 10 with or without polydactyly. Last evaluated: 2024-02-24. Review status: criteria provided, single submitter. Criteria: Invitae Variant Classification Sherloc (09022015). Collection method: clinical testing. Allele origin: germline.